The following is an entry in ClinVar:

ClinVar aggregate classification (germline): Pathogenic/Likely pathogenic. Review status: criteria provided, multiple submitters, no conflicts (2 of 4 stars). 4 submissions from 4 submitters: Pathogenic (2); Likely pathogenic (2). Last evaluated 2024-03-06.

Conditions:
Hypertrophic cardiomyopathy. Also called: HYPERTROPHIC MYOCARDIOPATHY. Identifiers: Orphanet 217569, MedGen C0007194, MeSH D002312, MONDO:0005045, HP:0001639.
Cardiomyopathy (CMYO). Also called: Cardiomyopathies. Identifiers: Orphanet 167848, MedGen C0878544, MONDO:0004994, HP:0001638. Inheritance: Various modes of inheritance.
Hypertrophic cardiomyopathy 4. Also called: Familial hypertrophic cardiomyopathy 4. Identifiers: MedGen C1861862, MONDO:0007268, OMIM 115197.
MYBPC3-related disorder. Also called: MYBPC3-related condition; MYBPC3-related disease; MYBPC3-related disorders.

Submissions (4):

Color Diagnostics, LLC DBA Color Health
Classification: Likely pathogenic for Cardiomyopathy. Last evaluated: 2024-03-06. Review status: criteria provided, single submitter. Criteria: ACMG Guidelines, 2015. Collection method: clinical testing. Allele origin: germline.
Comment: This variant causes a G>C nucleotide substitution at the canonical -1 position of intron 11 of the MYBPC3 gene. Splice site prediction tools suggest that this variant may have a significant impact on RNA splicing. Although this prediction has not been confirmed in published RNA studies, this variant is expected to result in an absent or disrupted protein product. This variant has been reported in at least one individual affected with hypertrophic cardiomyopathy (PMID: 32841044, 37821546). This variant has not been identified in the general population by the Genome Aggregation Database (gnomAD). A different variant affecting the same splice donor site, c.927-2A>G, is known to be disease-causing (ClinVar variation ID: 42806). Loss of MYBPC3 function is a known mechanism of disease. Based on the available evidence, this variant is classified as Likely Pathogenic.

All of Us Research Program, National Institutes of Health
Classification: Pathogenic for Hypertrophic cardiomyopathy. Last evaluated: 2023-12-10. Review status: criteria provided, single submitter. Criteria: ACMG Guidelines, 2015. Collection method: clinical testing. Allele origin: germline. Inheritance: Autosomal dominant inheritance. Observed: 1 variant allele, 1 heterozygote.
Comment: The c.927-1G>C variant of the MYBPC3 gene affects the acceptor splice site in intron 11. It is expected to disrupt RNA splicing. Variants that disrupt the donor or acceptor splice site typically lead to a loss of protein function (PMID: 16199547). Loss-of-function variants in MYBPC3 are known to be pathogenic (PMID: 19574547). Disruption of this splice site, caused by variant c.927-2A>G, has been observed in individuals with hypertrophic cardiomyopathy (PMID: 9562578, 22574137, 25078086, 27532257), and has been interpreted as pathogenic (ClinVar ID:42806). In addition, the c.927-1G>C variant is absent in the general population by the gnomAD database. Based on the available evidence, c.927-1G>C variant of the MYBPC3 gene is classified as pathogenic.

This study involves interpretation of variants in research participants for the purpose of population health screening. Participant phenotype was not available at the time of variant classification. Additional details can be found in publication PMID: 35346344, PMCID: PMC8962531

Blueprint Genetics
Classification: Pathogenic for MYBPC3-related disorders. Last evaluated: 2022-03-11. Review status: criteria provided, single submitter. Criteria: ACMG Guidelines, 2015. Collection method: clinical testing. Allele origin: germline. Affected: yes. Observed: 1 variant allele.

Agnes Ginges Centre for Molecular Cardiology, Centenary Institute
Classification: Likely pathogenic for Hypertrophic cardiomyopathy 4. Last evaluated: 2018-11-14. Review status: criteria provided, single submitter. Criteria: ACMG Guidelines, 2015. Collection method: research. Allele origin: germline. Inheritance: Autosomal dominant inheritance. Affected: yes.
Comment: MYBPC3 c.927-1G>C has not been previously reported and is absent in the Genome Aggregation Database. Based on the adapted ACMG guidelines (Kelly MA, et al., 2018), this variant results in loss of function of MYBPC3 (PVS1) and is rare in the general population (PM2), therefore we classify MYBPC3 c.927-1G>C as 'likely pathogenic'.

Literature cited by the submitters: PubMed 32841044 (cited by Color Diagnostics, LLC DBA Color Health); PubMed 37821546 (cited by Color Diagnostics, LLC DBA Color Health); PubMed 9562578 (cited by All of Us Research Program, National Institutes of Health); PubMed 16199547 (cited by All of Us Research Program, National Institutes of Health); PubMed 19574547 (cited by All of Us Research Program, National Institutes of Health); PubMed 22574137 (cited by All of Us Research Program, National Institutes of Health); PubMed 25078086 (cited by All of Us Research Program, National Institutes of Health); PubMed 27532257 (cited by All of Us Research Program, National Institutes of Health).

NM_000256.3(MYBPC3):c.927-1G>C

Gene: MYBPC3 (myosin binding protein C3; minus strand). Cytogenetic location: 11p11.2.
Variant type: single nucleotide variant.
Coding change: c.927-1G>C on transcript NM_000256.3 (MANE Select); the canonical splice acceptor site of the intron before coding-DNA position 927, G replaced by C.
Molecular consequence: splice acceptor variant.
Genome position (GRCh38, 1-based): chr11:47,346,371, C>G on the plus strand (G>C on the coding strand, the complement: MYBPC3 is on the minus strand). VCF-style: chr11-47346371-C-G. GRCh37 (hg19) VCF-style: chr11-47367922-C-G.
Identifiers: ClinVar variation 870078 (VCV000870078.4), dbSNP rs2095894178, ClinGen allele CA380332284.